The following is an entry in ClinVar:

ClinVar aggregate classification (germline): Pathogenic (1 of 4 stars; one submission).

Conditions:
Primary ciliary dyskinesia. Also called: Ciliary dyskinesia. Identifiers: Orphanet 244, MedGen C0008780, MONDO:0016575, HP:0012265.

Allele frequency attached by ClinVar (database versions not stated): gnomAD 0.00001; TOPMed 0.00001.
gnomAD v4.1: 2 of 1,540,094 alleles (0.00013%); highest among the groups gnomAD compares: Admixed American, 0.002%; no homozygotes.

Submission:

Labcorp Genetics (formerly Invitae), Labcorp
Classification: Pathogenic for Primary ciliary dyskinesia. Last evaluated: 2023-08-16. Review status: criteria provided, single submitter. Criteria: Invitae Variant Classification Sherloc (09022015). Collection method: clinical testing. Allele origin: germline.
Comment: For these reasons, this variant has been classified as Pathogenic. This sequence change creates a premature translational stop signal (p.Gln732*) in the CCDC39 gene. It is expected to result in an absent or disrupted protein product. Loss-of-function variants in CCDC39 are known to be pathogenic (PMID: 21131972, 23255504). This variant is not present in population databases (gnomAD no frequency). This variant has not been reported in the literature in individuals affected with CCDC39-related conditions. ClinVar contains an entry for this variant (Variation ID: 2188873).

Literature cited by the submitters: PubMed 21131972; PubMed 23255504.

NM_181426.2(CCDC39):c.2194C>T (p.Gln732Ter)

Gene: CCDC39 (coiled-coil domain 39 molecular ruler complex subunit; minus strand). Cytogenetic location: 3q26.33.
Variant type: single nucleotide variant.
Coding change: c.2194C>T on transcript NM_181426.2 (MANE Select); coding-DNA position 2194, C replaced by T.
Protein change: p.Gln732Ter; replaces glutamine 732 with a stop codon.
Molecular consequence: nonsense.
Genome position (GRCh38, 1-based): chr3:180,619,330, G>A on the plus strand (C>T on the coding strand, the complement: CCDC39 is on the minus strand). VCF-style: chr3-180619330-G-A. GRCh37 (hg19) VCF-style: chr3-180337118-G-A.
Other names: short protein forms Q732*.
Identifiers: ClinVar variation 2188873 (VCV002188873.4), dbSNP rs1717357943, ClinGen allele CA355306999.